The following is an entry in ClinVar:

ClinVar aggregate classification (germline): Uncertain significance (1 of 4 stars; one submission).

gnomAD v4.1: 4 of 1,575,266 alleles (0.00025%); highest among the groups gnomAD compares: Non-Finnish European, 0.00026%; no homozygotes.

Submission:

GeneDx
Classification: Uncertain significance. Last evaluated: 2025-01-08. Review status: criteria provided, single submitter. Criteria: GeneDx Variant Classification Process June 2021. Collection method: clinical testing. Allele origin: germline. Affected: yes.
Comment: Not observed at significant frequency in large population cohorts (gnomAD); In silico analysis indicates that this missense variant does not alter protein structure/function; Has not been previously published as pathogenic or benign to our knowledge

NM_022168.4(IFIH1):c.1630G>A (p.Ala544Thr)

Gene: IFIH1 (interferon induced with helicase C domain 1; minus strand). Cytogenetic location: 2q24.2.
Variant type: single nucleotide variant.
Coding change: c.1630G>A on transcript NM_022168.4 (MANE Select); coding-DNA position 1630, G replaced by A.
Protein change: p.Ala544Thr; replaces alanine 544 with threonine.
Molecular consequence: missense variant.
Genome position (GRCh38, 1-based): chr2:162,280,007, C>T on the plus strand (G>A on the coding strand, the complement: IFIH1 is on the minus strand). VCF-style: chr2-162280007-C-T. GRCh37 (hg19) VCF-style: chr2-163136517-C-T.
Other names: short protein forms A544T.
Identifiers: ClinVar variation 4056945 (VCV004056945.1).